The following is an entry in ClinVar:

NM_003901.4(SGPL1):c.440G>C (p.Gly147Ala)

Gene: SGPL1 (sphingosine-1-phosphate lyase 1; plus strand). Cytogenetic location: 10q22.1.
Variant type: single nucleotide variant.
Coding change: c.440G>C on transcript NM_003901.4 (MANE Select); coding-DNA position 440, G replaced by C.
Protein change: p.Gly147Ala; replaces glycine 147 with alanine.
Molecular consequence: missense variant.
Genome position (GRCh38, 1-based): chr10:70,857,644, G>C. VCF-style: chr10-70857644-G-C. GRCh37 (hg19) VCF-style: chr10-72617401-G-C.
Other names: short protein forms G147A.
Identifiers: ClinVar variation 2004058 (VCV002004058.4), dbSNP rs1845987100, ClinGen allele CA377119130.

ClinVar aggregate classification (germline): Uncertain significance (1 of 4 stars; one submission).

Submission:

Labcorp Genetics (formerly Invitae), Labcorp
Classification: Uncertain significance. Last evaluated: 2022-06-09. Review status: criteria provided, single submitter. Criteria: Invitae Variant Classification Sherloc (09022015). Collection method: clinical testing. Allele origin: germline.
Comment: This variant is not present in population databases (gnomAD no frequency). In summary, the available evidence is currently insufficient to determine the role of this variant in disease. Therefore, it has been classified as a Variant of Uncertain Significance. Algorithms developed to predict the effect of missense changes on protein structure and function (SIFT, PolyPhen-2, Align-GVGD) all suggest that this variant is likely to be disruptive. This variant has not been reported in the literature in individuals affected with SGPL1-related conditions. This sequence change replaces glycine, which is neutral and non-polar, with alanine, which is neutral and non-polar, at codon 147 of the SGPL1 protein (p.Gly147Ala).